The following is an entry in ClinVar:

ClinVar aggregate classification (germline): Uncertain significance. Review status: criteria provided, single submitter (1 of 4 stars). 2 submissions from 2 submitters: Uncertain significance (1). 1 of the submissions does not count toward it. Last evaluated 2022-04-06.

Conditions:
VPS13A-related neurodegenerative disease. Also called: ACANTHOCYTOSIS WITH NEUROLOGIC DISORDER; LEVINE-CRITCHLEY SYNDROME; VPS13A Disease; Choreoacanthocytosis; Chorea-acanthocytosis; Choreaacanthocytosis. Identifiers: Orphanet 2388, MedGen C0393576, MONDO:0008695, OMIM 200150.

Allele frequency attached by ClinVar (database versions not stated): TOPMed 0.00001.

Submissions (2):

Labcorp Genetics (formerly Invitae), Labcorp
Classification: Uncertain significance. Last evaluated: 2022-04-06. Review status: criteria provided, single submitter. Criteria: Invitae Variant Classification Sherloc (09022015). Collection method: clinical testing. Allele origin: germline.
Comment: This sequence change replaces lysine, which is basic and polar, with glutamic acid, which is acidic and polar, at codon 66 of the VPS13A protein (p.Lys66Glu). This variant is not present in population databases (gnomAD no frequency). This variant has not been reported in the literature in individuals affected with VPS13A-related conditions. Algorithms developed to predict the effect of missense changes on protein structure and function (SIFT, PolyPhen-2, Align-GVGD) all suggest that this variant is likely to be tolerated. In summary, the available evidence is currently insufficient to determine the role of this variant in disease. Therefore, it has been classified as a Variant of Uncertain Significance.

Natera, Inc.
Classification: Uncertain significance for Choreaacanthocytosis. Last evaluated: 2025-03-31. Review status: no assertion criteria provided. Collection method: clinical testing. Allele origin: germline. Not counted in ClinVar's aggregate classification.

NM_033305.3(VPS13A):c.196A>G (p.Lys66Glu)

Gene: VPS13A (vacuolar protein sorting 13 homolog A; plus strand). Cytogenetic location: 9q21.2.
Variant type: single nucleotide variant.
Coding change: c.196A>G on transcript NM_033305.3 (MANE Select); coding-DNA position 196, A replaced by G.
Protein change: p.Lys66Glu; replaces lysine 66 with glutamic acid.
Molecular consequence: missense variant.
Genome position (GRCh38, 1-based): chr9:77,205,321, A>G. VCF-style: chr9-77205321-A-G. GRCh37 (hg19) VCF-style: chr9-79820237-A-G.
Other names: c.196A>G, p.Lys66Glu (NM_001018037.2, NM_001018038.3, NM_015186.4); c.196A>G (NM_033305.2); short protein forms K66E.
Identifiers: ClinVar variation 2202165 (VCV002202165.2), dbSNP rs1451581173, ClinGen allele CA373841648.